The following is an entry in ClinVar:

ClinVar aggregate classification (germline): Uncertain significance. Review status: criteria provided, multiple submitters, no conflicts (2 of 4 stars). 2 submissions from 2 submitters: Uncertain significance (2). Last evaluated 2024-10-15.

gnomAD v4.1: 1 of 1,613,894 alleles (0.000062%); no homozygotes.

Submissions (2):

Labcorp Genetics (formerly Invitae), Labcorp
Classification: Uncertain significance. Last evaluated: 2024-10-15. Review status: criteria provided, single submitter. Criteria: Invitae Variant Classification Sherloc (09022015). Collection method: clinical testing. Allele origin: germline.
Comment: This sequence change replaces histidine, which is basic and polar, with aspartic acid, which is acidic and polar, at codon 172 of the P3H2 protein (p.His172Asp). This variant is not present in population databases (gnomAD no frequency). This variant has not been reported in the literature in individuals affected with P3H2-related conditions. ClinVar contains an entry for this variant (Variation ID: 943517). Invitae Evidence Modeling of protein sequence and biophysical properties (such as structural, functional, and spatial information, amino acid conservation, physicochemical variation, residue mobility, and thermodynamic stability) indicates that this missense variant is not expected to disrupt P3H2 protein function with a negative predictive value of 80%. In summary, the available evidence is currently insufficient to determine the role of this variant in disease. Therefore, it has been classified as a Variant of Uncertain Significance.

Blueprint Genetics
Classification: Uncertain significance. Last evaluated: 2020-03-31. Review status: criteria provided, single submitter. Criteria: ACMG Guidelines, 2015. Collection method: clinical testing. Allele origin: germline.

NM_018192.4(P3H2):c.514C>G (p.His172Asp)

Gene: P3H2 (prolyl 3-hydroxylase 2; minus strand). Cytogenetic location: 3q28.
Variant type: single nucleotide variant.
Coding change: c.514C>G on transcript NM_018192.4 (MANE Select); coding-DNA position 514, C replaced by G.
Protein change: p.His172Asp; replaces histidine 172 with aspartic acid.
Molecular consequence: missense variant. On other transcripts: 5 prime UTR variant (1).
Genome position (GRCh38, 1-based): chr3:189,995,409, G>C on the plus strand (C>G on the coding strand, the complement: P3H2 is on the minus strand). VCF-style: chr3-189995409-G-C. GRCh37 (hg19) VCF-style: chr3-189713198-G-C.
Other names: c.-30C>G (NM_001134418.2); short protein forms H172D.
Identifiers: ClinVar variation 943517 (VCV000943517.7), dbSNP rs1560354033, ClinGen allele CA355759947.
Genomic context (GRCh38, chr3:189,995,409, plus strand): 5'-TGTAATTCTCAATGTTCTGCTGCATTTCCATGTGCTCAGGGTTAGCCACGAAAAATGTGT[G>C]AGCTGCTTCCACTGCTTTTTCGAGCTGGTTAAGCTAAAGAGAAAAAAAAATGACCAAAAT-3'
Protein context (NP_060662.2, residues 162-182): NQLEKAVEAA[His172Asp]TFFVANPEHM